The following is an entry in ClinVar:

NM_000059.4(BRCA2):c.1156G>T (p.Glu386Ter)

Gene: BRCA2 (BRCA2 DNA repair associated; plus strand). Cytogenetic location: 13q13.1.
Variant type: single nucleotide variant.
Coding change: c.1156G>T on transcript NM_000059.4 (MANE Select); coding-DNA position 1156, G replaced by T.
Protein change: p.Glu386Ter; replaces glutamic acid 386 with a stop codon.
Molecular consequence: nonsense.
Genome position (GRCh38, 1-based): chr13:32,332,634, G>T. VCF-style: chr13-32332634-G-T. GRCh37 (hg19) VCF-style: chr13-32906771-G-T.
Other names: short protein forms E386*.
Identifiers: ClinVar variation 1074645 (VCV001074645.11), dbSNP rs1593892076, ClinGen allele CA387761898.

ClinVar aggregate classification (germline): Pathogenic. Review status: criteria provided, multiple submitters, no conflicts (2 of 4 stars). 4 submissions from 4 submitters: Pathogenic (4). Last evaluated 2026-03-23.

Conditions:
Hereditary cancer-predisposing syndrome. Also called: Hereditary Cancer Syndrome; Hereditary neoplastic syndrome; Neoplastic Syndromes, Hereditary; Tumor predisposition. Identifiers: Orphanet 140162, MedGen C0027672, MeSH D009386, MONDO:0015356.
Hereditary breast ovarian cancer syndrome. Also called: Hereditary breast and/or ovarian cancer syndrome; Hereditary breast and ovarian cancer syndrome; Hereditary breast and ovarian cancer syndrome (HBOC); BRCA1- and BRCA2-Associated Hereditary Breast and Ovarian Cancer; Hereditary breast and ovarian cancer; Breast and ovarian cancer. Identifiers: Orphanet 145, MedGen C0677776, MeSH D061325, MONDO:0003582. Disease mechanism: loss of function.

Submissions (4):

GeneDx
Classification: Pathogenic. Last evaluated: 2026-03-23. Review status: criteria provided, single submitter. Criteria: GeneDx Variant Classification Process June 2021. Collection method: clinical testing. Allele origin: germline.
Comment: Nonsense variant predicted to result in protein truncation or nonsense mediated decay in a gene for which loss of function is a known mechanism of disease; Not observed at significant frequency in large population cohorts (gnomAD); Truncating variants in this gene are considered pathogenic by a well-established clinical consortium and/or database; Has not been previously published as pathogenic or benign to our knowledge; Also known as 1384G>T

Women's Health and Genetics/Laboratory Corporation of America, LabCorp
Classification: Pathogenic for Hereditary breast ovarian cancer syndrome. Last evaluated: 2025-12-26. Review status: criteria provided, single submitter. Criteria: LabCorp Variant Classification Summary - May 2015. Collection method: clinical testing. Allele origin: germline.
Comment: Variant summary: BRCA2 c.1156G>T (p.Glu386X) results in a premature termination codon, predicted to cause a truncation of the encoded protein or absence of the protein due to nonsense mediated decay, which are commonly known mechanisms for disease. The variant was absent in 250168 control chromosomes. To our knowledge, no occurrence of c.1156G>T in individuals affected with BRCA2-related conditions and no experimental evidence demonstrating its impact on protein function have been reported. ClinVar contains an entry for this variant (Variation ID: 1074645). Based on the evidence outlined above, the variant was classified as pathogenic.

Labcorp Genetics (formerly Invitae), Labcorp
Classification: Pathogenic for Hereditary breast ovarian cancer syndrome. Last evaluated: 2025-04-28. Review status: criteria provided, single submitter. Criteria: Invitae Variant Classification Sherloc (09022015). Collection method: clinical testing. Allele origin: germline.
Comment: This sequence change creates a premature translational stop signal (p.Glu386*) in the BRCA2 gene. It is expected to result in an absent or disrupted protein product. Loss-of-function variants in BRCA2 are known to be pathogenic (PMID: 20104584). This variant is not present in population databases (gnomAD no frequency). This variant has not been reported in the literature in individuals affected with BRCA2-related conditions. ClinVar contains an entry for this variant (Variation ID: 1074645). Algorithms developed to predict the effect of sequence changes on RNA splicing suggest that this variant may create or strengthen a splice site. For these reasons, this variant has been classified as Pathogenic.

Ambry Genetics
Classification: Pathogenic for Hereditary cancer-predisposing syndrome. Last evaluated: 2021-09-03. Review status: criteria provided, single submitter. Criteria: Ambry Variant Classification Scheme 2023. Collection method: clinical testing. Allele origin: germline.
Comment: The p.E386* pathogenic mutation (also known as c.1156G>T), located in coding exon 9 of the BRCA2 gene, results from a G to T substitution at nucleotide position 1156. This changes the amino acid from a glutamic acid to a stop codon within coding exon 9. This variant is considered to be rare based on population cohorts in the Genome Aggregation Database (gnomAD). This alteration is expected to result in loss of function by premature protein truncation or nonsense-mediated mRNA decay. As such, this alteration is interpreted as a disease-causing mutation.

Literature cited by the submitters: PubMed 20104584 (cited by Labcorp Genetics (formerly Invitae), Labcorp).